The following is an entry in ClinVar:

NM_001267550.2(TTN):c.11311+1155C>T

Gene: TTN (titin; minus strand). Cytogenetic location: 2q31.2.
Variant type: single nucleotide variant.
Coding change: c.11311+1155C>T on transcript NM_001267550.2 (MANE Select); 1155 bases into the intron after coding-DNA position 11311, C replaced by T.
Molecular consequence: intron variant. On other transcripts: synonymous variant (1).
Genome position (GRCh38, 1-based): chr2:178,751,969, G>A on the plus strand (C>T on the coding strand, the complement: TTN is on the minus strand). VCF-style: chr2-178751969-G-A. GRCh37 (hg19) VCF-style: chr2-179616696-G-A.
Other names: c.10431C>T, p.Asp3477= (NM_133379.5); c.10222+1155C>T (NM_003319.4); c.10798+1155C>T (NM_133437.4); c.10597+1155C>T (NM_133432.3); c.10360+1155C>T (NM_133378.4, NM_001256850.1).
Identifiers: ClinVar variation 5000088 (VCV005000088.1).

ClinVar aggregate classification (germline): Likely benign (1 of 4 stars; one submission).

Conditions:
TTN-related disorder. Also called: TTN-related disorders; TTN-related condition; TTN-related disease.

gnomAD v4.1: 3 of 1,589,244 alleles (0.00019%); highest among the groups gnomAD compares: Non-Finnish European, 0.00026%; no homozygotes.

Submission:

PreventionGenetics, part of Exact Sciences
Classification: Likely benign for TTN-related condition. Last evaluated: 2025-07-16. Review status: criteria provided, single submitter. Criteria: ACMG Guidelines, 2015. Collection method: clinical testing. Allele origin: germline.
Comment: This variant is classified as likely benign based on ACMG/AMP sequence variant interpretation guidelines (Richards et al. 2015 PMID: 25741868, with internal and published modifications).